The following is an entry in ClinVar:

NM_003562.5(SLC25A11):c.262C>T (p.Leu88=)

Gene: SLC25A11 (solute carrier family 25 member 11; minus strand). Cytogenetic location: 17p13.2.
Variant type: single nucleotide variant.
Coding change: c.262C>T on transcript NM_003562.5 (MANE Select); coding-DNA position 262, C replaced by T.
Protein change: p.Leu88=; no amino-acid change (leucine 88 retained).
Molecular consequence: synonymous variant.
Genome position (GRCh38, 1-based): chr17:4,938,962, G>A on the plus strand (C>T on the coding strand, the complement: SLC25A11 is on the minus strand). VCF-style: chr17-4938962-G-A. GRCh37 (hg19) VCF-style: chr17-4842257-G-A.
Other names: c.229C>T, p.Leu77= (NM_001165417.2); c.109C>T, p.Leu37= (NM_001165418.2); c.262C>T (NM_003562.4).
Identifiers: ClinVar variation 1013124 (VCV001013124.43), dbSNP rs138852681, ClinGen allele CA8315346.

ClinVar aggregate classification (germline): Benign/Likely benign. Review status: criteria provided, multiple submitters, no conflicts (2 of 4 stars). 4 submissions from 4 submitters: Benign (1); Likely benign (2). 1 of the submissions does not count toward it. Last evaluated 2026-01-19.

Conditions:
SLC25A11-related disorder. Also called: SLC25A11-related condition.

Allele frequency attached by ClinVar (database versions not stated): 1000 Genomes Project 30x 0.00016; 1000 Genomes Project 0.00020; TOPMed 0.00202; gnomAD exomes 0.00205 and 0.00366; gnomAD 0.00214 and 0.00223; ExAC 0.00221; ESP Exome Variant Server 0.00269.

Submissions (4):

Labcorp Genetics (formerly Invitae), Labcorp
Classification: Benign. Last evaluated: 2026-01-19. Review status: criteria provided, single submitter. Criteria: Invitae Variant Classification Sherloc (09022015). Collection method: clinical testing. Allele origin: germline.

Blueprint Genetics
Classification: Likely benign. Last evaluated: 2024-11-26. Review status: criteria provided, single submitter. Criteria: ACMG Guidelines, 2015. Collection method: clinical testing. Allele origin: germline.

CeGaT Center for Human Genetics Tuebingen
Classification: Likely benign. Last evaluated: 2023-08-01. Review status: criteria provided, single submitter. Criteria: CeGaT Center For Human Genetics Tuebingen Variant Classification Criteria Version 2. Collection method: clinical testing. Allele origin: germline. Affected: yes. Observed: 4 variant alleles.
Comment: SLC25A11: BP4, BS2

PreventionGenetics, part of Exact Sciences
Classification: Likely benign for SLC25A11-related condition. Last evaluated: 2019-04-29. Review status: no assertion criteria provided. Collection method: clinical testing. Allele origin: germline. Not counted in ClinVar's aggregate classification.
Comment: This variant is classified as likely benign based on ACMG/AMP sequence variant interpretation guidelines (Richards et al. 2015 PMID: 25741868, with internal and published modifications).